The following is an entry in ClinVar:

NM_000257.4(MYH7):c.4358T>C (p.Leu1453Pro)

Genes: MHRT (myosin heavy chain associated RNA transcript; plus strand), MYH7 (myosin heavy chain 7; minus strand). Cytogenetic location: 14q11.2.
Variant type: single nucleotide variant.
Coding change: c.4358T>C on transcript NM_000257.4 (MANE Select); coding-DNA position 4358, T replaced by C.
Protein change: p.Leu1453Pro; replaces leucine 1453 with proline.
Molecular consequence: missense variant. On other transcripts: non-coding transcript variant (1).
Genome position (GRCh38, 1-based): chr14:23,417,314, A>G on the plus strand (T>C on the coding strand, the complement: MYH7 is on the minus strand). VCF-style: chr14-23417314-A-G. GRCh37 (hg19) VCF-style: chr14-23886523-A-G.
Other names: p.Leu1453Pro; short protein forms L1453P.
Identifiers: ClinVar variation 656264 (VCV000656264.14), dbSNP rs1246272841, ClinGen allele CA389038932.
Genomic context (GRCh38, chr14:23,417,314, plus strand): 5'-TCCTTCTGCGAGGACTCCAGCTCCGACTGCGACTCCTCATACTTCTGCTTCCACTCGGCC[A>G]GGATCTGCCCGGGGACAAGGCTCACTCTTCAGCCCCCCAGCCTCAGCCCCATGTCCAGGG-3'
Protein context (NP_000248.2, residues 1443-1463): DKKQRNFDKI[Leu1453Pro]AEWKQKYEES

ClinVar aggregate classification (germline): Pathogenic/Likely pathogenic. Review status: criteria provided, multiple submitters, no conflicts (2 of 4 stars). 4 submissions from 4 submitters: Pathogenic (1); Likely pathogenic (2). 1 of the submissions does not count toward it. Last evaluated 2025-02-20.

Conditions:
Hypertrophic cardiomyopathy. Also called: HYPERTROPHIC MYOCARDIOPATHY. Identifiers: Orphanet 217569, MedGen C0007194, MeSH D002312, MONDO:0005045, HP:0001639.
MYH7-related skeletal myopathy. Also called: MYOPATHY, DISTAL, EARLY-ONSET, AUTOSOMAL DOMINANT; MYOPATHY, LATE DISTAL HEREDITARY; Laing distal myopathy; Myopathy, distal, 1; Laing early-onset distal myopathy. Identifiers: Orphanet 59135, MedGen C4552004, MONDO:0008050, OMIM 160500.

Submissions (4):

Revvity Omics, Revvity
Classification: Likely pathogenic. Last evaluated: 2025-02-20. Review status: criteria provided, single submitter. Criteria: ACMG Guidelines, 2015. Collection method: clinical testing. Allele origin: germline.

Mayo Clinic Laboratories, Mayo Clinic
Classification: Likely pathogenic. Last evaluated: 2024-02-12. Review status: criteria provided, single submitter. Criteria: ACMG Guidelines, 2015. Collection method: clinical testing. Allele origin: germline. Observed: 1 variant allele.
Comment: PP1_strong, PP3, PM2

Labcorp Genetics (formerly Invitae), Labcorp
Classification: Pathogenic for Hypertrophic cardiomyopathy. Last evaluated: 2022-09-07. Review status: criteria provided, single submitter. Criteria: Invitae Variant Classification Sherloc (09022015). Collection method: clinical testing. Allele origin: germline.
Comment: This sequence change replaces leucine, which is neutral and non-polar, with proline, which is neutral and non-polar, at codon 1453 of the MYH7 protein (p.Leu1453Pro). This variant is not present in population databases (gnomAD no frequency). This missense change has been observed in individual(s) with Laing distal myopathy (PMID: 25447691). It has also been observed to segregate with disease in related individuals. ClinVar contains an entry for this variant (Variation ID: 656264). Algorithms developed to predict the effect of missense changes on protein structure and function are either unavailable or do not agree on the potential impact of this missense change (SIFT: "Deleterious"; PolyPhen-2: "Probably Damaging"; Align-GVGD: "Class C0"). For these reasons, this variant has been classified as Pathogenic.

GeneReviews
No classification provided. Condition: MYH7-related skeletal myopathy. Review status: no classification provided. Collection method: literature only. Allele origin: germline. Not counted in ClinVar's aggregate classification.
Comment: Variant associated with white matter changes

Literature cited by the submitters: PubMed 25447691 (cited by 3 submitters); PubMed 29687901 (cited by Mayo Clinic Laboratories, Mayo Clinic); NCBI Bookshelf NBK1433 (cited by GeneReviews).